The following continues an entry in ClinVar:

NM_000492.4(CFTR):c.2834C>T (p.Ser945Leu)

Gene: CFTR. ClinVar aggregate classification (germline): Pathogenic; drug response. Pathogenic (1).

Submissions 14 to 27 of 27:

Ambry Genetics
Classification: Pathogenic for Cystic fibrosis. Last evaluated: 2022-06-13. Review status: criteria provided, single submitter. Criteria: Ambry Variant Classification Scheme 2023. Collection method: clinical testing. Allele origin: germline. Not counted in ClinVar's aggregate classification.
Comment: The p.S945L pathogenic mutation (also known as c.2834C>T), located in coding exon 17 of the CFTR gene, results from a C to T substitution at nucleotide position 2834. The serine at codon 945 is replaced by leucine, an amino acid with dissimilar properties. This amino acid position is highly conserved in available vertebrate species. In one study, this mutation was detected in an infant with pulmonary disease, pancreatic insufficiency, a sweat chloride level of 58, and p.F508del confirmed in trans (Feldmann D et al. Hum. Mutat., 2003 Oct;22:340). This mutation was found to decrease the amount of full mature protein and is suspected to interfere with chloride permeability in the CFTR channel (Seibert FS et al. J. Biol. Chem., 1996 Nov;271:27493-9). This pathogenic mutation is associated with elevated sweat chloride levels, pancreatic insufficiency in 40% of individuals, and Pseudomonas infection in half of individuals; in vitro functional studies showed this mutation results in significantly reduced chloride conductance (Sosnay PR et al. Nat. Genet., 2013 Oct;45:1160-7). In addition, in the heterozygous state, this mutation has been observed to be contributory to a pancreatitis phenotype (Masson E et al. PLoS ONE, 2013 Aug;8:e73522). Based on the supporting evidence, p.S945L is interpreted as a disease-causing mutation.

Clinical Genetics Laboratory, Skane University Hospital Lund
Classification: Likely pathogenic. Last evaluated: 2022-05-27. Review status: criteria provided, single submitter. Criteria: ACMG Guidelines, 2015. Collection method: clinical testing. Allele origin: germline. Affected: yes. Not counted in ClinVar's aggregate classification.

Mayo Clinic Laboratories, Mayo Clinic
Classification: Pathogenic. Last evaluated: 2021-09-28. Review status: criteria provided, single submitter. Criteria: ACMG Guidelines, 2015. Collection method: clinical testing. Allele origin: germline. Not counted in ClinVar's aggregate classification.
Comment: PS3, PM3_strong,, PM2, PP3, PP5

Johns Hopkins Genomics, Johns Hopkins University
Classification: Pathogenic for Cystic fibrosis. Last evaluated: 2021-06-03. Review status: criteria provided, single submitter. Criteria: ACMG Guidelines, 2015. Collection method: clinical testing. Allele origin: germline. Not counted in ClinVar's aggregate classification.

Undiagnosed Diseases Network, NIH
Classification: Pathogenic for Cystic fibrosis. Last evaluated: 2020-10-02. Review status: criteria provided, single submitter. Criteria: ACMG Guidelines, 2015. Collection method: clinical testing. Allele origin: maternal. Inheritance: Autosomal recessive inheritance. Affected: yes. Observed: 1 variant allele, 1 compound heterozygote. Study: Undiagnosed Diseases Network (NIH), UDN. Not counted in ClinVar's aggregate classification.

Genomic Research Center, Shahid Beheshti University of Medical Sciences
Classification: Pathogenic. Last evaluated: 2020-05-03. Review status: criteria provided, single submitter. Criteria: ACMG Guidelines, 2015. Collection method: clinical testing. Allele origin: unknown. Affected: no. Not counted in ClinVar's aggregate classification.

ARUP Laboratories, Molecular Genetics and Genomics, ARUP Laboratories
Classification: Pathogenic. Last evaluated: 2019-11-25. Review status: criteria provided, single submitter. Criteria: ARUP Molecular Germline Variant Investigation Process. Collection method: clinical testing. Allele origin: germline. Not counted in ClinVar's aggregate classification.
Comment: The CFTR c.2834C>T; p.Ser945Leu variant (rs397508442) is reported in the literature in multiple individuals affected with either pancreatic sufficient or pancreatic insufficient cystic fibrosis (CF) (see link to CFTR2 database, Sosnay 2013), and also in a few individuals affected with CFTR-related disorders who carry a second pathogenic-mild variant or no reported second variant (Masvidal 2009, Masson 2013). The p.Ser945Leu variant is reported in ClinVar (Variation ID: 53575), and is found in the general population with an overall allele frequency of 0.0071% (20/282808 alleles) in the Genome Aggregation Database. The serine at codon 945 is highly conserved, and computational analyses (SIFT, PolyPhen-2) predict that this variant is deleterious. Functional analyses of the variant protein show reduced processing, maturation and chloride transport activity (Sosnay 2013, Van Goor 2014). Both in vitro and in vivo functional analyses demonstrate a positive response to drug treatment for CF patients (Kim 2018, Van Goor 2014). Based on available information, this variant is considered to be pathogenic. References: Link to CFTR2 database: Claustres M et al. Analysis of the 27 exons and flanking regions of the cystic fibrosis gene: 40 different mutations account for 91.2% of the mutant alleles in southern France. Hum Mol Genet. 1993 Aug;2(8):1209-13. Kim J et al. Ivacaftor restores CFTR-dependent sweat gland fluid secretion in cystic fibrosis subjects with S945L alleles. J Cyst Fibros. 2018 Mar;17(2):179-185. Masson E et al. A conservative assessment of the major genetic causes of idiopathic chronic pancreatitis: data from a comprehensive analysis of PRSS1, SPINK1, CTRC and CFTR genes in 253 young French patients. PLoS One. 2013 8(8):e73522. Masvidal L et al. The p.Arg258Gly mutation in intracellular loop 2 of CFTR is associated with CFTR-related disorders. Genet Test Mol Biomarkers. 2009 13(6):765-8. Sosnay PR et al. Defining the disease liability of variants in the cystic fibrosis transmembrane conductance regulator gene. Nat Genet. 2013 45(10):1160-7. Van Goor F et al. Effect of ivacaftor on CFTR forms with missense mutations associated with defects in protein processing or function. J Cyst Fibros. 2014 13(1):29-36.

Women's Health and Genetics/Laboratory Corporation of America, LabCorp
Classification: Pathogenic for Cystic fibrosis. Last evaluated: 2019-01-23. Review status: criteria provided, single submitter. Criteria: LabCorp Variant Classification Summary - May 2015. Collection method: clinical testing. Allele origin: germline. Not counted in ClinVar's aggregate classification.
Comment: Variant summary: CFTR c.2834C>T (p.Ser945Leu) results in a non-conservative amino acid change located in the ABC transporter type 1, transmembrane domain of the encoded protein sequence. Five of five in-silico tools predict a damaging effect of the variant on protein function. The variant allele was found at a frequency of 7.6e-05 in 277138 control chromosomes (gnomAD). This frequency is not significantly higher than expected for a pathogenic variant in CFTR causing Cystic Fibrosis (7.6e-05 vs 0.013), allowing no conclusion about variant significance. c.2834C>T has been reported in the literature in multiple individuals affected with Cystic Fibrosis (Sosnay_2013). These data indicate that the variant is very likely to be associated with disease. Two ClinVar submissions from clinical diagnostic laboratories (evaluation after 2014) cite the variant as pathogenic. One ClinVar submission from PharmGKB reports the variant to have a drug response. Based on the evidence outlined above, the variant was classified as pathogenic.

Mendelics
Classification: Pathogenic for Cystic fibrosis. Last evaluated: 2018-11-05. Review status: criteria provided, single submitter. Criteria: Mendelics Assertion Criteria 2017. Collection method: clinical testing. Allele origin: unknown. Affected: yes. Not counted in ClinVar's aggregate classification.

CFTR-France
Classification: Pathogenic for cystic fibrosis; CFTR-related disorders. Last evaluated: 2018-01-29. Review status: criteria provided, single submitter. Criteria: Claustres M et al. (Hum Mutat 2017). Collection method: curation. Allele origin: germline. Affected: yes. Not counted in ClinVar's aggregate classification.
Comment: when the variant is in trans with another CF-causing variation, can either result in CF or in a CFTR-RD

Clinical Genetics and Genomics, Karolinska University Hospital
Classification: Pathogenic. Last evaluated: 2016-04-08. Review status: criteria provided, single submitter. Criteria: ACMG Guidelines, 2015. Collection method: clinical testing. Allele origin: germline. Affected: yes. Observed: 2 variant alleles. Not counted in ClinVar's aggregate classification.

Eurofins Ntd Llc (ga)
Classification: Pathogenic. Last evaluated: 2015-04-13. Review status: criteria provided, single submitter. Criteria: EGL Classification Definitions 2015. Collection method: clinical testing. Allele origin: germline. Observed: 4 variant alleles, 4 heterozygotes. Not counted in ClinVar's aggregate classification.

Baylor Genetics
Classification: Pathogenic for Congenital bilateral aplasia of vas deferens from CFTR mutation; Cystic fibrosis. Review status: criteria provided, single submitter. Criteria: ACMG Guidelines, 2015. Collection method: clinical testing. Allele origin: germline. Not counted in ClinVar's aggregate classification.

Counsyl
Classification: Pathogenic for Cystic fibrosis. Last evaluated: 2014-05-08. Review status: no assertion criteria provided. Collection method: literature only. Allele origin: unknown. Inheritance: Autosomal recessive inheritance. Not counted in ClinVar's aggregate classification.

Literature cited by the submitters: PubMed 23891399 (cited by 4 submitters); PubMed 29279204 (cited by 3 submitters); PubMed 36467478 (cited by Dasa); PubMed 39857666 (cited by Dasa); PubMed 32429104 (cited by 3 submitters); PubMed 40065563 (cited by Dasa); PubMed 16189704 (cited by Labcorp Genetics (formerly Invitae), Labcorp and Natera, Inc.); PubMed 19318346 (cited by Labcorp Genetics (formerly Invitae), Labcorp); PubMed 21354377 (cited by Labcorp Genetics (formerly Invitae), Labcorp); PubMed 29504914 (cited by Labcorp Genetics (formerly Invitae), Labcorp and Mayo Clinic Laboratories, Mayo Clinic); PubMed 22545782 (cited by Labcorp Genetics (formerly Invitae), Labcorp); PubMed 30134826 (cited by Natera, Inc.); PubMed 18456578 (cited by Quest Diagnostics Nichols Institute San Juan Capistrano and Counsyl); PubMed 23951356 (cited by 3 submitters); PubMed 28801929 (cited by 3 submitters); PubMed 31036917 (cited by Quest Diagnostics Nichols Institute San Juan Capistrano); PubMed 16051530 (cited by Quest Diagnostics Nichols Institute San Juan Capistrano); PubMed 12955726 (cited by Quest Diagnostics Nichols Institute San Juan Capistrano and Ambry Genetics); PubMed 16196493 (cited by Quest Diagnostics Nichols Institute San Juan Capistrano); PubMed 7691344 (cited by Quest Diagnostics Nichols Institute San Juan Capistrano and Counsyl); PubMed 23974870 (cited by 4 submitters); PubMed 25826586 (cited by Quest Diagnostics Nichols Institute San Juan Capistrano); PubMed 8910333 (cited by 3 submitters); PubMed 31016917 (cited by Mayo Clinic Laboratories, Mayo Clinic).